The following is an entry in ClinVar:

ClinVar aggregate classification (germline): Uncertain significance. Review status: criteria provided, multiple submitters, no conflicts (2 of 4 stars). 2 submissions from 2 submitters: Uncertain significance (2). Last evaluated 2024-10-01.

Allele frequency attached by ClinVar (database versions not stated): gnomAD 0.00002; gnomAD exomes 0.00002 and 0.00004; TOPMed 0.00002; ExAC 0.00007; ESP Exome Variant Server 0.00008.
gnomAD v4.1: 35 of 1,613,104 alleles (0.0022%); highest among the groups gnomAD compares: Admixed American, 0.0033%; no homozygotes.

Submissions (2):

Blueprint Genetics
Classification: Uncertain significance. Last evaluated: 2024-10-01. Review status: criteria provided, single submitter. Criteria: ACMG Guidelines, 2015. Collection method: clinical testing. Allele origin: germline.

Labcorp Genetics (formerly Invitae), Labcorp
Classification: Uncertain significance. Last evaluated: 2020-10-24. Review status: criteria provided, single submitter. Criteria: Invitae Variant Classification Sherloc (09022015). Collection method: clinical testing. Allele origin: germline.
Comment: In summary, the available evidence is currently insufficient to determine the role of this variant in disease. Therefore, it has been classified as a Variant of Uncertain Significance. Advanced modeling of protein sequence and biophysical properties (such as structural, functional, and spatial information, amino acid conservation, physicochemical variation, residue mobility, and thermodynamic stability) performed at Invitae indicates that this missense variant is not expected to disrupt BEST1 protein function. This variant has not been reported in the literature in individuals with BEST1-related conditions. This variant is present in population databases (rs148326372, ExAC 0.01%). This sequence change replaces proline with leucine at codon 334 of the BEST1 protein (p.Pro334Leu). The proline residue is weakly conserved and there is a moderate physicochemical difference between proline and leucine.

NM_004183.4(BEST1):c.1001C>T (p.Pro334Leu)

Gene: BEST1 (bestrophin 1; plus strand). Cytogenetic location: 11q12.3.
Variant type: single nucleotide variant.
Coding change: c.1001C>T on transcript NM_004183.4 (MANE Select); coding-DNA position 1001, C replaced by T.
Protein change: p.Pro334Leu; replaces proline 334 with leucine.
Molecular consequence: missense variant. On other transcripts: non-coding transcript variant (1).
Genome position (GRCh38, 1-based): chr11:61,959,944, C>T. VCF-style: chr11-61959944-C-T. GRCh37 (hg19) VCF-style: chr11-61727416-C-T.
Other names: c.821C>T, p.Pro274Leu (NM_001139443.3, NM_001300787.2); c.740C>T, p.Pro247Leu (NM_001300786.2); c.683C>T, p.Pro228Leu (NM_001363591.3); c.1204C>T, p.Arg402Trp (NM_001363592.2); c.29C>T, p.Pro10Leu (NM_001363593.3); short protein forms P228L, R402W, P10L, P334L, P247L, P274L.
Identifiers: ClinVar variation 1037476 (VCV001037476.9), dbSNP rs148326372, ClinGen allele CA6040964.
Genomic context (GRCh38, chr11:61,959,944, plus strand): 5'-GTGACCAGGTGTCCCTGTTGGCTGTGGATGAGATGCACCAGGACCTGCCTCGGATGGAGC[C>T]GGACATGTACTGGAATAAGCCCGAGCCACAGCCCCCCTACACAGCTGCTTCCGCCCAGTT-3'
Protein context (NP_004174.1, residues 324-344): EMHQDLPRME[Pro334Leu]DMYWNKPEPQ